The following is an entry in ClinVar:

ClinVar aggregate classification (germline): Benign (1 of 4 stars; one submission).

Conditions:
Metaphyseal chondrodysplasia, Schmid type (MCDS). Also called: SPONDYLOMETAPHYSEAL DYSPLASIA, JAPANESE TYPE. Identifiers: Orphanet 174, MedGen C0265289, MONDO:0007983, OMIM 156500.

Allele frequency attached by ClinVar (database versions not stated): gnomAD 0.02965 and 0.03210; TOPMed 0.03137; gnomAD exomes 0.00205; 1000 Genomes Project 0.02935; 1000 Genomes Project 30x 0.03310.
gnomAD v4.1: 4,516 of 177,318 alleles (2.5%); highest among the groups gnomAD compares: African/African-American, 10%; 242 homozygotes.

Submission:

Illumina Laboratory Services, Illumina
Classification: Benign for Metaphyseal chondrodysplasia, Schmid type. Last evaluated: 2018-01-12. Review status: criteria provided, single submitter. Criteria: ICSL Variant Classification Criteria 13 December 2019. Collection method: clinical testing. Allele origin: germline.
Comment: This variant was observed in the ICSL laboratory as part of a predisposition screen in an ostensibly healthy population. It had not been previously curated by ICSL or reported in the Human Gene Mutation Database (HGMD: prior to June 1st, 2018), and was therefore a candidate for classification through an automated scoring system. Utilizing variant allele frequency, disease prevalence and penetrance estimates, and inheritance mode, an automated score was calculated to assess if this variant is too frequent to cause the disease. Based on the score and internal cut-off values, a variant classified as benign is not then subjected to further curation. The score for this variant resulted in a classification of benign for this disease.

NM_000493.4(COL10A1):c.*416G>A

Genes: COL10A1 (collagen type X alpha 1 chain; minus strand), NT5DC1 (5'-nucleotidase domain containing 1; plus strand). Cytogenetic location: 6q22.1.
Variant type: single nucleotide variant.
Coding change: c.*416G>A on transcript NM_000493.4 (MANE Select); 416 bases downstream of the stop codon, G replaced by A.
Molecular consequence: 3 prime UTR variant. On other transcripts: intron variant (1).
Genome position (GRCh38, 1-based): chr6:116,119,657, C>T on the plus strand (G>A on the coding strand, the complement: COL10A1 is on the minus strand). VCF-style: chr6-116119657-C-T. GRCh37 (hg19) VCF-style: chr6-116440820-C-T.
Other names: c.*416G>A (NM_001424106.1, NM_001424107.1); c.529+1712C>T (NM_152729.3).
Identifiers: ClinVar variation 355077 (VCV000355077.5), dbSNP rs78400291, ClinGen allele CA10625653.